The following is an entry in ClinVar:

NM_004453.4(ETFDH):c.1541T>C (p.Ile514Thr)

Gene: ETFDH (electron transfer flavoprotein dehydrogenase; plus strand). Cytogenetic location: 4q32.1.
Variant type: single nucleotide variant.
Coding change: c.1541T>C on transcript NM_004453.4 (MANE Select); coding-DNA position 1541, T replaced by C.
Protein change: p.Ile514Thr; replaces isoleucine 514 with threonine.
Molecular consequence: missense variant.
Genome position (GRCh38, 1-based): chr4:158,706,701, T>C. VCF-style: chr4-158706701-T-C. GRCh37 (hg19) VCF-style: chr4-159627853-T-C.
Other names: c.1400T>C, p.Ile467Thr (NM_001281737.2); c.1358T>C, p.Ile453Thr (NM_001281738.1); short protein forms I453T, I514T, I467T.
Identifiers: ClinVar variation 1914514 (VCV001914514.5), dbSNP rs1774629504, ClinGen allele CA358564823.

ClinVar aggregate classification (germline): Uncertain significance (1 of 4 stars; one submission).

Conditions:
Multiple acyl-CoA dehydrogenase deficiency (MADD). Also called: ETHYLMALONIC-ADIPICACIDURIA; GA II; Glutaric aciduria, type 2; Glutaric acidemia type II; GA 2; Glutaric Acidemia type 2. Identifiers: Orphanet 26791, MedGen C0268596, MONDO:0009282, OMIM 231680.

Allele frequency attached by ClinVar (database versions not stated): TOPMed below 0.00001.

Submission:

Labcorp Genetics (formerly Invitae), Labcorp
Classification: Uncertain significance for Multiple acyl-CoA dehydrogenase deficiency. Last evaluated: 2024-05-15. Review status: criteria provided, single submitter. Criteria: Invitae Variant Classification Sherloc (09022015). Collection method: clinical testing. Allele origin: germline.
Comment: This sequence change replaces isoleucine, which is neutral and non-polar, with threonine, which is neutral and polar, at codon 514 of the ETFDH protein (p.Ile514Thr). This variant is not present in population databases (gnomAD no frequency). This variant has not been reported in the literature in individuals affected with ETFDH-related conditions. ClinVar contains an entry for this variant (Variation ID: 1914514). Advanced modeling of protein sequence and biophysical properties (such as structural, functional, and spatial information, amino acid conservation, physicochemical variation, residue mobility, and thermodynamic stability) performed at Invitae indicates that this missense variant is not expected to disrupt ETFDH protein function with a negative predictive value of 80%. In summary, the available evidence is currently insufficient to determine the role of this variant in disease. Therefore, it has been classified as a Variant of Uncertain Significance.